The following is an entry in ClinVar:

ClinVar aggregate classification (germline): Likely benign (1 of 4 stars; one submission).

Allele frequency attached by ClinVar (database versions not stated): ESP Exome Variant Server 0.00009; 1000 Genomes Project 30x 0.00021; gnomAD 0.00025; 1000 Genomes Project 0.00026; gnomAD exomes 0.00028; TOPMed 0.00030; ExAC 0.00041.
gnomAD v4.1: 361 of 1,207,074 alleles (0.03%); highest among the groups gnomAD compares: Middle Eastern, 0.44%; 2 homozygotes.

Submission:

CeGaT Center for Human Genetics Tuebingen
Classification: Likely benign. Last evaluated: 2022-11-01. Review status: criteria provided, single submitter. Criteria: CeGaT Center For Human Genetics Tuebingen Variant Classification Criteria Version 2. Collection method: clinical testing. Allele origin: germline. Affected: yes. Observed: 1 variant allele.
Comment: ARSF: BS2

NM_001201539.2(ARSF):c.761C>T (p.Thr254Met)

Gene: ARSF (arylsulfatase F; plus strand). Cytogenetic location: Xp22.33.
Variant type: single nucleotide variant.
Coding change: c.761C>T on transcript NM_001201539.2 (MANE Select); coding-DNA position 761, C replaced by T.
Protein change: p.Thr254Met; replaces threonine 254 with methionine.
Molecular consequence: missense variant.
Genome position (GRCh38, 1-based): chrX:3,084,597, C>T. VCF-style: chrX-3084597-C-T. GRCh37 (hg19) VCF-style: chrX-3002638-C-T.
Other names: c.761C>T, p.Thr254Met (NM_001201538.2, NM_004042.5); short protein forms T254M.
Identifiers: ClinVar variation 2659870 (VCV002659870.24), dbSNP rs150895660, ClinGen allele CA10338951.